The following is an entry in ClinVar:

ClinVar aggregate classification (germline): Uncertain significance. Review status: criteria provided, single submitter (1 of 4 stars). 2 submissions from 2 submitters: Uncertain significance (1). 1 of the submissions does not count toward it. Last evaluated 2024-01-02.

Conditions:
PHF3-related disorder. Also called: PHF3-related condition.

Allele frequency attached by ClinVar (database versions not stated): TOPMed below 0.00001; gnomAD 0.00001; gnomAD exomes 0.00001; ExAC 0.00002.
gnomAD v4.1: 19 of 1,598,124 alleles (0.0012%); highest among the groups gnomAD compares: Admixed American, 0.0034%; no homozygotes.

Submissions (2):

Ambry Genetics
Classification: Uncertain significance. Last evaluated: 2024-01-02. Review status: criteria provided, single submitter. Criteria: Ambry Variant Classification Scheme 2023. Collection method: clinical testing. Allele origin: germline.

PreventionGenetics, part of Exact Sciences
Classification: Uncertain significance for PHF3-related condition. Last evaluated: 2024-05-23. Review status: no assertion criteria provided. Collection method: clinical testing. Allele origin: germline. Not counted in ClinVar's aggregate classification.
Comment: The PHF3 c.2635G>A variant is predicted to result in the amino acid substitution p.Glu879Lys. To our knowledge, this variant has not been reported in the literature. This variant is reported in 0.0040% of alleles in individuals of European (Finnish) descent in gnomAD. At this time, the clinical significance of this variant is uncertain due to the absence of conclusive functional and genetic evidence.

NM_001370348.2(PHF3):c.2635G>A (p.Glu879Lys)

Gene: PHF3 (PHD finger protein 3; plus strand). Cytogenetic location: 6q12.
Variant type: single nucleotide variant.
Coding change: c.2635G>A on transcript NM_001370348.2 (MANE Select); coding-DNA position 2635, G replaced by A.
Protein change: p.Glu879Lys; replaces glutamic acid 879 with lysine.
Molecular consequence: missense variant.
Genome position (GRCh38, 1-based): chr6:63,694,719, G>A. VCF-style: chr6-63694719-G-A. GRCh37 (hg19) VCF-style: chr6-64404609-G-A.
Other names: c.2371G>A, p.Glu791Lys (NM_001290259.2, NM_001370349.2); c.442G>A, p.Glu148Lys (NM_001370350.2); c.2635G>A, p.Glu879Lys (NM_015153.4); c.2635G>A (NM_015153.3); short protein forms E148K, E791K, E879K.
Identifiers: ClinVar variation 3212173 (VCV003212173.2), dbSNP rs766349838, ClinGen allele CA3875942.